The following is an entry in ClinVar:

NM_020937.4(FANCM):c.1636G>A (p.Gly546Ser)

Gene: FANCM (FA complementation group M; plus strand). Cytogenetic location: 14q21.2.
Variant type: single nucleotide variant.
Coding change: c.1636G>A on transcript NM_020937.4 (MANE Select); coding-DNA position 1636, G replaced by A.
Protein change: p.Gly546Ser; replaces glycine 546 with serine.
Molecular consequence: missense variant.
Genome position (GRCh38, 1-based): chr14:45,164,413, G>A. VCF-style: chr14-45164413-G-A. GRCh37 (hg19) VCF-style: chr14-45633616-G-A.
Other names: c.1558G>A, p.Gly520Ser (NM_001308133.2); c.1636G>A, p.Gly546Ser (NM_001308134.2); short protein forms G546S, G520S.
Identifiers: ClinVar variation 373472 (VCV000373472.9), dbSNP rs768676143, ClinGen allele CA7169119.

ClinVar aggregate classification (germline): Uncertain significance. Review status: criteria provided, multiple submitters, no conflicts (2 of 4 stars). 3 submissions from 3 submitters: Uncertain significance (3). Last evaluated 2024-05-21.

Conditions:
Spermatogenic failure 28. Identifiers: MedGen C4748117, MONDO:0054732, OMIM 618086.
Premature ovarian failure 15. Identifiers: MedGen C4748170, MONDO:0054862, OMIM 618096.
Fanconi anemia (FA). Also called: Fanconi's anemia. Identifiers: Orphanet 84, MedGen C0015625, MeSH D005199, MONDO:0019391.

Allele frequency attached by ClinVar (database versions not stated): TOPMed 0.00004; ExAC 0.00005; gnomAD exomes 0.00005 and 0.00013; gnomAD 0.00007.
gnomAD v4.1: 191 of 1,613,322 alleles (0.012%); highest among the groups gnomAD compares: Non-Finnish European, 0.016%; no homozygotes.

Submissions (3):

Labcorp Genetics (formerly Invitae), Labcorp
Classification: Uncertain significance for Fanconi anemia. Last evaluated: 2024-05-21. Review status: criteria provided, single submitter. Criteria: Invitae Variant Classification Sherloc (09022015). Collection method: clinical testing. Allele origin: germline.
Comment: This sequence change replaces glycine, which is neutral and non-polar, with serine, which is neutral and polar, at codon 546 of the FANCM protein (p.Gly546Ser). This variant is present in population databases (rs768676143, gnomAD 0.009%). This variant has not been reported in the literature in individuals affected with FANCM-related conditions. ClinVar contains an entry for this variant (Variation ID: 373472). An algorithm developed to predict the effect of missense changes on protein structure and function (PolyPhen-2) suggests that this variant is likely to be disruptive. In summary, the available evidence is currently insufficient to determine the role of this variant in disease. Therefore, it has been classified as a Variant of Uncertain Significance.

Fulgent Genetics
Classification: Uncertain significance for Spermatogenic failure 28; Premature ovarian failure 15. Last evaluated: 2022-01-18. Review status: criteria provided, single submitter. Criteria: ACMG Guidelines, 2015. Collection method: clinical testing. Allele origin: unknown.

GeneDx
Classification: Uncertain significance. Last evaluated: 2016-11-22. Review status: criteria provided, single submitter. Criteria: GeneDx Variant Classification (06012015). Collection method: clinical testing. Allele origin: germline. Affected: yes.
Comment: The G546S variant in the FANCM gene has not been reported previously as a pathogenic variant, nor as a benign variant, to our knowledge. The G546S variant was not observed in approximately 6,500 individuals of European and African American ancestry in the NHLBI Exome Sequencing Project, indicating it is not a common benign variant in these populations. The G546S variant is a non-conservative amino acid substitution, which is likely to impact secondary protein structure as these residues differ in polarity, charge, size and/or other properties. This substitution occurs at a position that is conserved across species, and in silico analysis predicts this variant is probably damaging to the protein structure/function. We interpret G546S as a variant of uncertain significance.